The following is an entry in ClinVar:

NM_198253.3(TERT):c.1205A>G (p.Gln402Arg)

Gene: TERT (telomerase reverse transcriptase; minus strand). Cytogenetic location: 5p15.33.
Variant type: single nucleotide variant.
Coding change: c.1205A>G on transcript NM_198253.3 (MANE Select); coding-DNA position 1205, A replaced by G.
Protein change: p.Gln402Arg; replaces glutamine 402 with arginine.
Molecular consequence: missense variant. On other transcripts: non-coding transcript variant (2).
Genome position (GRCh38, 1-based): chr5:1,293,681, T>C on the plus strand (A>G on the coding strand, the complement: TERT is on the minus strand). VCF-style: chr5-1293681-T-C. GRCh37 (hg19) VCF-style: chr5-1293796-T-C.
Other names: c.1205A>G, p.Gln402Arg (NM_001193376.3, NM_003219.1); short protein forms Q402R.
Identifiers: ClinVar variation 2952894 (VCV002952894.3), dbSNP rs2478413200, ClinGen allele CA359086549.
Genomic context (GRCh38, chr5:1,293,681, plus strand): 5'-GCTGGGGTGACCGCAGCTCGCAGCGGGCAGTGCGTCTTGAGGAGCACCCCGTAGGGGCAC[T>C]GCGCGTGGTTCCCAAGCAGCTCCAGAAACAGGGGCCGCATTTGCCAGTAGCGCTGGGGCA-3'
Protein context (NP_937983.2, residues 392-412): LFLELLGNHA[Gln402Arg]CPYGVLLKTH

ClinVar aggregate classification (germline): Uncertain significance (1 of 4 stars; one submission).

Conditions:
Dyskeratosis congenita, autosomal dominant 2. Identifiers: MedGen C3151443, MONDO:0013521, OMIM 613989.
Idiopathic Pulmonary Fibrosis. Also called: Idiopathic fibrosing alveolitis, chronic form; idiopathic fibrosing alveolitis. Identifiers: Orphanet 2032, MedGen C1800706, MeSH D054990, MONDO:0800504.

Submission:

Labcorp Genetics (formerly Invitae), Labcorp
Classification: Uncertain significance for Dyskeratosis congenita, autosomal dominant 2; Idiopathic Pulmonary Fibrosis. Last evaluated: 2023-10-15. Review status: criteria provided, single submitter. Criteria: Invitae Variant Classification Sherloc (09022015). Collection method: clinical testing. Allele origin: germline.
Comment: This sequence change replaces glutamine, which is neutral and polar, with arginine, which is basic and polar, at codon 402 of the TERT protein (p.Gln402Arg). This variant is not present in population databases (gnomAD no frequency). This variant has not been reported in the literature in individuals affected with TERT-related conditions. Advanced modeling of protein sequence and biophysical properties (such as structural, functional, and spatial information, amino acid conservation, physicochemical variation, residue mobility, and thermodynamic stability) performed at Invitae indicates that this missense variant is not expected to disrupt TERT protein function. In summary, the available evidence is currently insufficient to determine the role of this variant in disease. Therefore, it has been classified as a Variant of Uncertain Significance.